The following is an entry in ClinVar:

ClinVar aggregate classification (germline): Likely pathogenic (0 of 4 stars; one submission).

Conditions:
MED13-related disorder. Also called: MED13-related condition.

Submission:

PreventionGenetics, part of Exact Sciences
Classification: Likely pathogenic for MED13-related condition. Last evaluated: 2024-03-24. Review status: no assertion criteria provided. Collection method: clinical testing. Allele origin: germline.
Comment: The MED13 c.4497dupT variant is predicted to result in premature protein termination (p.Asn1500*). To our knowledge, this variant has not been reported in the literature or in a large population database, indicating this variant is rare. Nonsense variants in MED13 are expected to be pathogenic. This variant is interpreted as likely pathogenic.

NM_005121.3(MED13):c.4497dup (p.Asn1500Ter)

Gene: MED13 (mediator complex subunit 13; minus strand). Cytogenetic location: 17q23.2.
Variant type: Duplication.
Coding change: c.4497dup on transcript NM_005121.3 (MANE Select); coding-DNA position 4497, one base duplicated (T; older notation c.4497dupT).
Protein change: p.Asn1500Ter; replaces asparagine 1500 with a stop codon.
Molecular consequence: nonsense.
Genome position (GRCh38, 1-based): chr17:61,965,353, A duplicated on the plus strand (T on the coding strand, the reverse complement: MED13 is on the minus strand). VCF-style (leftmost placement, unchanged base first): chr17-61965352-T-TA. GRCh37 (hg19) VCF-style: chr17-60042713-T-TA.
Other names: short protein forms N1500*.
Identifiers: ClinVar variation 3348152 (VCV003348152.1).